The following is an entry in ClinVar:

ClinVar aggregate classification (germline): Pathogenic/Likely pathogenic. Review status: criteria provided, multiple submitters, no conflicts (2 of 4 stars). 2 submissions from 2 submitters: Pathogenic (1); Likely pathogenic (1). Last evaluated 2025-03-18.

Conditions:
Tumoral calcinosis, hyperphosphatemic, familial, 1. Also called: CALCINOSIS, TUMORAL, WITH HYPERPHOSPHATEMIA; LIPOCALCINOGRANULOMATOSIS; MORBUS TEUTSCHLAENDER; TEUTSCHLAENDER DISEASE, FAMILIAL; TUMORAL CALCINOSIS, PRIMARY HYPERPHOSPHATEMIC; HYPEROSTOSIS WITH HYPERPHOSPHATEMIA. Identifiers: Orphanet 53715, MedGen C4692564, MONDO:0100252, OMIM 211900.

Submissions (2):

Labcorp Genetics (formerly Invitae), Labcorp
Classification: Pathogenic. Last evaluated: 2025-03-18. Review status: criteria provided, single submitter. Criteria: Invitae Variant Classification Sherloc (09022015). Collection method: clinical testing. Allele origin: germline.
Comment: This sequence change creates a premature translational stop signal (p.Arg87Thrfs*19) in the GALNT3 gene. It is expected to result in an absent or disrupted protein product. Loss-of-function variants in GALNT3 are known to be pathogenic (PMID: 15133511, 20358599). This variant is present in population databases (rs776322512, gnomAD 0.01%). This premature translational stop signal has been observed in individual(s) with tumoral calcinosis (PMID: 27164190). ClinVar contains an entry for this variant (Variation ID: 2734293). For these reasons, this variant has been classified as Pathogenic.

Fulgent Genetics
Classification: Likely pathogenic for Tumoral calcinosis, hyperphosphatemic, familial, 1. Last evaluated: 2024-05-04. Review status: criteria provided, single submitter. Criteria: ACMG Guidelines, 2015. Collection method: clinical testing. Allele origin: germline.

Literature cited by the submitters: PubMed 15133511 (cited by Labcorp Genetics (formerly Invitae), Labcorp); PubMed 20358599 (cited by Labcorp Genetics (formerly Invitae), Labcorp); PubMed 27164190 (cited by Labcorp Genetics (formerly Invitae), Labcorp).

NM_004482.4(GALNT3):c.260_266del (p.Arg87fs)

Gene: GALNT3 (polypeptide N-acetylgalactosaminyltransferase 3; minus strand). Cytogenetic location: 2q24.3.
Variant type: Deletion.
Coding change: c.260_266del on transcript NM_004482.4 (MANE Select); coding-DNA positions 260 to 266, 7 bases deleted (GGCAAAA; older notation c.260_266delGGCAAAA).
Protein change: p.Arg87fs; shifts the reading frame from arginine 87.
Molecular consequence: frameshift variant.
Genome position (GRCh38, 1-based): chr2:165,770,435-165,770,441, TTTTGCC deleted on the plus strand (GGCAAAA on the coding strand, the reverse complement: GALNT3 is on the minus strand); deleting any 7 consecutive bases within chr2:165,770,435-165,770,442 gives the same sequence; the c. name uses the placement nearest the transcript's 3' end. VCF-style (leftmost placement, unchanged base first): chr2-165770434-GTTTTGCC-G. GRCh37 (hg19) VCF-style: chr2-166626944-GTTTTGCC-G.
Other names: short protein forms R87fs.
Identifiers: ClinVar variation 2734293 (VCV002734293.4), dbSNP rs776322512, ClinGen allele CA1941262.